The following is an entry in ClinVar:

NM_001184.4(ATR):c.4051C>T (p.Arg1351Trp)

Gene: ATR (ATR checkpoint kinase; minus strand). Cytogenetic location: 3q23.
Variant type: single nucleotide variant.
Coding change: c.4051C>T on transcript NM_001184.4 (MANE Select); coding-DNA position 4051, C replaced by T.
Protein change: p.Arg1351Trp; replaces arginine 1351 with tryptophan.
Molecular consequence: missense variant.
Genome position (GRCh38, 1-based): chr3:142,524,094, G>A on the plus strand (C>T on the coding strand, the complement: ATR is on the minus strand). VCF-style: chr3-142524094-G-A. GRCh37 (hg19) VCF-style: chr3-142242936-G-A.
Other names: c.3859C>T, p.Arg1287Trp (NM_001354579.2); short protein forms R1351W, R1287W.
Identifiers: ClinVar variation 3703308 (VCV003703308.2).
Genomic context (GRCh38, chr3:142,524,094, plus strand): 5'-AATCTAATCGACCTGGATCTATCGCCCCCAATTCCCCTAAACATTCCCCACAGAGCAACC[G>A]AGCTTGAGAGTTTGCATCTTGGCAACCTTTCAAAAGCACTGTCACCAACTGTGAGATAAT-3'
Protein context (NP_001175.2, residues 1341-1361): KGCQDANSQA[Arg1351Trp]LLCGECLGEL

ClinVar aggregate classification (germline): Uncertain significance (1 of 4 stars; one submission).

gnomAD v4.1: 5 of 1,613,772 alleles (0.00031%); highest among the groups gnomAD compares: Non-Finnish European, 0.00042%; no homozygotes.

Submission:

Labcorp Genetics (formerly Invitae), Labcorp
Classification: Uncertain significance. Last evaluated: 2024-02-16. Review status: criteria provided, single submitter. Criteria: Invitae Variant Classification Sherloc (09022015). Collection method: clinical testing. Allele origin: germline.
Comment: This sequence change replaces arginine, which is basic and polar, with tryptophan, which is neutral and slightly polar, at codon 1351 of the ATR protein (p.Arg1351Trp). This variant is not present in population databases (gnomAD no frequency). This variant has not been reported in the literature in individuals affected with ATR-related conditions. An algorithm developed to predict the effect of missense changes on protein structure and function (PolyPhen-2) suggests that this variant is likely to be disruptive. In summary, the available evidence is currently insufficient to determine the role of this variant in disease. Therefore, it has been classified as a Variant of Uncertain Significance.